The following is an entry in ClinVar:

ClinVar aggregate classification (germline): Likely pathogenic (1 of 4 stars; one submission).

Conditions:
Dilated cardiomyopathy 1HH (CMD1HH). Identifiers: Orphanet 154, MedGen C3151293, MONDO:0013479, OMIM 613881.
Myofibrillar myopathy 6. Identifiers: Orphanet 199340, MedGen C2751831, MONDO:0013061, OMIM 612954.

Submission:

Labcorp Genetics (formerly Invitae), Labcorp
Classification: Likely pathogenic for Dilated cardiomyopathy 1HH; Myofibrillar myopathy 6. Last evaluated: 2022-06-10. Review status: criteria provided, single submitter. Criteria: Invitae Variant Classification Sherloc (09022015). Collection method: clinical testing. Allele origin: germline.
Comment: In summary, the currently available evidence indicates that the variant is pathogenic, but additional data are needed to prove that conclusively. Therefore, this variant has been classified as Likely Pathogenic. Algorithms developed to predict the effect of sequence changes on RNA splicing suggest that this variant may disrupt the consensus splice site. This variant has not been reported in the literature in individuals affected with BAG3-related conditions. This variant is not present in population databases (gnomAD no frequency). This variant results in the deletion of part of exon 3 (c.508-14_514del) of the BAG3 gene. It is expected to disrupt RNA splicing. Variants that disrupt the donor or acceptor splice site typically lead to a loss of protein function (PMID: 16199547), and loss-of-function variants in BAG3 are known to be pathogenic (PMID: 21353195, 25008357).

Literature cited by the submitters: PubMed 16199547; PubMed 21353195; PubMed 25008357.

NM_004281.4(BAG3):c.508-14_514del

Gene: BAG3 (BAG cochaperone 3; plus strand). Cytogenetic location: 10q26.11.
Variant type: Deletion.
Coding change: c.508-14_514del on transcript NM_004281.4 (MANE Select); 14 bases into the intron before coding-DNA position 508 through coding-DNA position 514, 21 bases deleted (TGTGTCTCTTGCAGCGGTCCC).
Molecular consequence: splice acceptor variant.
Genome position (GRCh38, 1-based): chr10:119,672,241-119,672,261, TGTGTCTCTTGCAGCGGTCCC deleted; deleting any 21 consecutive bases within chr10:119,672,238-119,672,261 gives the same sequence; the c. name uses the placement nearest the transcript's 3' end. VCF-style (leftmost placement, unchanged base first): chr10-119672237-ACCCTGTGTCTCTTGCAGCGGT-A. GRCh37 (hg19) VCF-style: chr10-121431749-ACCCTGTGTCTCTTGCAGCGGT-A.
Identifiers: ClinVar variation 1466662 (VCV001466662.8), dbSNP rs2134064890, ClinGen allele CA2573145586.